The following is an entry in ClinVar:

NC_000012.12:g.49051780_49051806del

Gene: KMT2D (lysine methyltransferase 2D; minus strand). Cytogenetic location: 12q13.12.
Variant type: Deletion.
Genome position: GRCh38 VCF-style: chr12-49051763-TTCAGGTGGTGGGGACATAGGCGAGTCC-T. GRCh37 (hg19) VCF-style: chr12-49445546-TTCAGGTGGTGGGGACATAGGCGAGTCC-T.
Other names: p.Asp632_Glu640del.
Identifiers: ClinVar variation 638391 (VCV000638391.11), dbSNP rs759377845, ClinGen allele CA6548396.

ClinVar aggregate classification (germline): Uncertain significance. Review status: criteria provided, multiple submitters, no conflicts (2 of 4 stars). 3 submissions from 3 submitters: Uncertain significance (3). Last evaluated 2025-07-29.

Conditions:
Kabuki syndrome. Also called: Kabuki make-up syndrome; NIIKAWA-KUROKI SYNDROME. Identifiers: Orphanet 2322, MedGen C0796004, MONDO:0016512.
Kabuki syndrome 1 (KABUK1). Also called: KMT2D-Related Kabuki Syndrome. Identifiers: Orphanet 2322, MedGen CN030661, MONDO:0007843, OMIM 147920.

Submissions (3):

Mayo Clinic Laboratories, Mayo Clinic
Classification: Uncertain significance. Last evaluated: 2025-07-29. Review status: criteria provided, single submitter. Criteria: ACMG Guidelines, 2015. Collection method: clinical testing. Allele origin: germline. Observed: 1 variant allele.
Comment: PM2_supporting, PM4

Labcorp Genetics (formerly Invitae), Labcorp
Classification: Uncertain significance for Kabuki syndrome. Last evaluated: 2024-05-15. Review status: criteria provided, single submitter. Criteria: Invitae Variant Classification Sherloc (09022015). Collection method: clinical testing. Allele origin: germline.
Comment: This variant, c.1893_1919del, results in the deletion of 9 amino acid(s) of the KMT2D protein (p.Asp632_Glu640del), but otherwise preserves the integrity of the reading frame. This variant is present in population databases (rs759377845, gnomAD 0.006%). This variant has not been reported in the literature in individuals affected with KMT2D-related conditions. ClinVar contains an entry for this variant (Variation ID: 638391). Experimental studies and prediction algorithms are not available or were not evaluated, and the functional significance of this variant is currently unknown. In summary, the available evidence is currently insufficient to determine the role of this variant in disease. Therefore, it has been classified as a Variant of Uncertain Significance.

Genomic Research Center, Shahid Beheshti University of Medical Sciences
Classification: Uncertain significance for Kabuki syndrome 1. Last evaluated: 2019-04-27. Review status: criteria provided, single submitter. Criteria: ACMG Guidelines, 2015. Collection method: clinical testing. Allele origin: unknown. Affected: yes.